The following is an entry in ClinVar:

NM_207037.2(TCF12):c.411T>G (p.Asp137Glu)

Gene: TCF12 (transcription factor 12; plus strand). Cytogenetic location: 15q21.3.
Variant type: single nucleotide variant.
Coding change: c.411T>G on transcript NM_207037.2 (MANE Select); coding-DNA position 411, T replaced by G.
Protein change: p.Asp137Glu; replaces aspartic acid 137 with glutamic acid.
Molecular consequence: missense variant. On other transcripts: 5 prime UTR variant (1).
Genome position (GRCh38, 1-based): chr15:57,192,178, T>G. VCF-style: chr15-57192178-T-G. GRCh37 (hg19) VCF-style: chr15-57484376-T-G.
Other names: c.411T>G, p.Asp137Glu (NM_001322151.2, NM_001322152.2, NM_001322157.3 and 7 more transcripts); c.-247T>G (NM_001322154.2); c.237T>G, p.Asp79Glu (NM_001322156.2, NM_001322158.2); c.447T>G, p.Asp149Glu (NM_001322164.2); short protein forms D137E, D149E, D79E.
Identifiers: ClinVar variation 4076609 (VCV004076609.1).

ClinVar aggregate classification (germline): Uncertain significance (1 of 4 stars; one submission).

Submission:

GeneDx
Classification: Uncertain significance. Last evaluated: 2025-02-25. Review status: criteria provided, single submitter. Criteria: GeneDx Variant Classification Process June 2021. Collection method: clinical testing. Allele origin: germline. Affected: yes.
Comment: Not observed at significant frequency in large population cohorts (gnomAD); In silico analysis indicates that this missense variant does not alter protein structure/function; Has not been previously published as pathogenic or benign to our knowledge